The following is an entry in ClinVar:

NM_001287.6(CLCN7):c.1030A>T (p.Ile344Phe)

Gene: CLCN7 (chloride voltage-gated channel 7; minus strand). Cytogenetic location: 16p13.3.
Variant type: single nucleotide variant.
Coding change: c.1030A>T on transcript NM_001287.6 (MANE Select); coding-DNA position 1030, A replaced by T.
Protein change: p.Ile344Phe; replaces isoleucine 344 with phenylalanine.
Molecular consequence: missense variant.
Genome position (GRCh38, 1-based): chr16:1,455,202, T>A on the plus strand (A>T on the coding strand, the complement: CLCN7 is on the minus strand). VCF-style: chr16-1455202-T-A. GRCh37 (hg19) VCF-style: chr16-1505203-T-A.
Other names: c.958A>T, p.Ile320Phe (NM_001114331.3); short protein forms I344F, I320F.
Identifiers: ClinVar variation 2863588 (VCV002863588.3), dbSNP rs768337253, ClinGen allele CA7810481.

ClinVar aggregate classification (germline): Uncertain significance (1 of 4 stars; one submission).

Allele frequency attached by ClinVar (database versions not stated): TOPMed below 0.00001; ExAC 0.00001.
gnomAD v4.1: 2 of 1,613,830 alleles (0.00012%); highest among the groups gnomAD compares: Admixed American, 0.0017%; no homozygotes.

Submission:

Labcorp Genetics (formerly Invitae), Labcorp
Classification: Uncertain significance. Last evaluated: 2023-05-12. Review status: criteria provided, single submitter. Criteria: Invitae Variant Classification Sherloc (09022015). Collection method: clinical testing. Allele origin: germline.
Comment: This sequence change replaces isoleucine, which is neutral and non-polar, with phenylalanine, which is neutral and non-polar, at codon 344 of the CLCN7 protein (p.Ile344Phe). This variant is present in population databases (rs768337253, gnomAD 0.003%). This variant has not been reported in the literature in individuals affected with CLCN7-related conditions. Advanced modeling of protein sequence and biophysical properties (such as structural, functional, and spatial information, amino acid conservation, physicochemical variation, residue mobility, and thermodynamic stability) performed at Invitae indicates that this missense variant is not expected to disrupt CLCN7 protein function. In summary, the available evidence is currently insufficient to determine the role of this variant in disease. Therefore, it has been classified as a Variant of Uncertain Significance.